The following is an entry in ClinVar:

ClinVar aggregate classification (germline): Likely benign (1 of 4 stars; one submission).

Submission:

CeGaT Center for Human Genetics Tuebingen
Classification: Likely benign. Last evaluated: 2026-04-01. Review status: criteria provided, single submitter. Criteria: CeGaT Center For Human Genetics Tuebingen Variant Classification Criteria Version 2. Collection method: clinical testing. Allele origin: germline. Affected: yes. Observed: 2 variant alleles.
Comment: GOLGA6B: BP4, BP7

NM_018652.5(GOLGA6B):c.636C>T (p.Asn212=)

Gene: GOLGA6B (golgin A6 family member B; plus strand). Cytogenetic location: 15q24.1.
Variant type: single nucleotide variant.
Coding change: c.636C>T on transcript NM_018652.5 (MANE Select); coding-DNA position 636, C replaced by T.
Protein change: p.Asn212=; no amino-acid change (asparagine 212 retained).
Molecular consequence: synonymous variant.
Genome position (GRCh38, 1-based): chr15:72,661,335, C>T. VCF-style: chr15-72661335-C-T. GRCh37 (hg19) VCF-style: chr15-72953676-C-T.
Identifiers: ClinVar variation 3388120 (VCV003388120.14).
Genomic context (GRCh38, chr15:72,661,335, plus strand): 5'-CAGAGAAGCGGTCCTCCACCGGCGGTTACAGCAGACCATAAAGGAGCGGGCGCTGCTGAA[C>T]GCACACGTGACACAGGTGAGGCTTTGCAGAGGGAGGGATGTGGAAGGAAGATGACCCCAG-3'
Protein context (NP_061122.4, residues 202-222): QQTIKERALL[Asn212=]AHVTQVTESL